The following is an entry in ClinVar:

ClinVar aggregate classification (germline): Uncertain significance (1 of 4 stars; one submission).

Conditions:
Progressive myoclonic epilepsy type 3. Also called: KCTD7-Related Progressive Myoclonic Epilepsy; EPILEPSY, PROGRESSIVE MYOCLONIC, 3, WITHOUT INTRACELLULAR INCLUSIONS; EPILEPSY, PROGRESSIVE MYOCLONIC, 3, WITH OR WITHOUT INTRACELLULAR INCLUSIONS; CEROID LIPOFUSCINOSIS, NEURONAL, 14. Identifiers: Orphanet 263516, MedGen C2673257, MONDO:0012721, OMIM 611726.

Submission:

Labcorp Genetics (formerly Invitae), Labcorp
Classification: Uncertain significance for Progressive myoclonic epilepsy type 3. Last evaluated: 2023-10-13. Review status: criteria provided, single submitter. Criteria: Invitae Variant Classification Sherloc (09022015). Collection method: clinical testing. Allele origin: germline.
Comment: This sequence change replaces leucine, which is neutral and non-polar, with phenylalanine, which is neutral and non-polar, at codon 167 of the KCTD7 protein (p.Leu167Phe). This variant is not present in population databases (gnomAD no frequency). This variant has not been reported in the literature in individuals affected with KCTD7-related conditions. ClinVar contains an entry for this variant (Variation ID: 1716197). Advanced modeling of protein sequence and biophysical properties (such as structural, functional, and spatial information, amino acid conservation, physicochemical variation, residue mobility, and thermodynamic stability) performed at Invitae indicates that this missense variant is not expected to disrupt KCTD7 protein function. In summary, the available evidence is currently insufficient to determine the role of this variant in disease. Therefore, it has been classified as a Variant of Uncertain Significance.

NM_153033.5(KCTD7):c.501G>C (p.Leu167Phe)

Gene: KCTD7 (potassium channel tetramerization domain containing 7; plus strand). Cytogenetic location: 7q11.21.
Variant type: single nucleotide variant.
Coding change: c.501G>C on transcript NM_153033.5 (MANE Select); coding-DNA position 501, G replaced by C.
Protein change: p.Leu167Phe; replaces leucine 167 with phenylalanine.
Molecular consequence: missense variant.
Genome position (GRCh38, 1-based): chr7:66,638,863, G>C. VCF-style: chr7-66638863-G-C. GRCh37 (hg19) VCF-style: chr7-66103850-G-C.
Other names: c.501G>C, p.Leu167Phe (NM_001167961.2); short protein forms L167F.
Identifiers: ClinVar variation 1716197 (VCV001716197.6), dbSNP rs2535251116, ClinGen allele CA367696597.